The following is an entry in ClinVar:

ClinVar aggregate classification (germline): Uncertain significance (1 of 4 stars; one submission).

Submission:

Labcorp Genetics (formerly Invitae), Labcorp
Classification: Uncertain significance. Last evaluated: 2025-03-12. Review status: criteria provided, single submitter. Criteria: Invitae Variant Classification Sherloc (09022015). Collection method: clinical testing. Allele origin: germline.
Comment: This sequence change replaces proline, which is neutral and non-polar, with serine, which is neutral and polar, at codon 29 of the NUP133 protein (p.Pro29Ser). This variant is present in population databases (rs537541035, gnomAD 0.02%). This variant has not been reported in the literature in individuals affected with NUP133-related conditions. An algorithm developed to predict the effect of missense changes on protein structure and function (PolyPhen-2) suggests that this variant is likely to be disruptive. In summary, the available evidence is currently insufficient to determine the role of this variant in disease. Therefore, it has been classified as a Variant of Uncertain Significance.

NM_018230.3(NUP133):c.85C>T (p.Pro29Ser)

Genes: NUP133 (nucleoporin 133; minus strand), LOC129932732 (ATAC-STARR-seq lymphoblastoid silent region 1931; plus strand). Cytogenetic location: 1q42.13.
Variant type: single nucleotide variant.
Coding change: c.85C>T on transcript NM_018230.3 (MANE Select); coding-DNA position 85, C replaced by T.
Protein change: p.Pro29Ser; replaces proline 29 with serine.
Molecular consequence: missense variant.
Genome position (GRCh38, 1-based): chr1:229,508,165, G>A on the plus strand (C>T on the coding strand, the complement: NUP133 is on the minus strand). VCF-style: chr1-229508165-G-A. GRCh37 (hg19) VCF-style: chr1-229643912-G-A.
Other names: short protein forms P29S.
Identifiers: ClinVar variation 4708698 (VCV004708698.1).